The following is an entry in ClinVar:

NM_014915.3(ANKRD26):c.971C>G (p.Pro324Arg)

Gene: ANKRD26 (ankyrin repeat domain 26; minus strand). Cytogenetic location: 10p12.1.
Variant type: single nucleotide variant.
Coding change: c.971C>G on transcript NM_014915.3 (MANE Select); coding-DNA position 971, C replaced by G.
Protein change: p.Pro324Arg; replaces proline 324 with arginine.
Molecular consequence: missense variant.
Genome position (GRCh38, 1-based): chr10:27,077,444, G>C on the plus strand (C>G on the coding strand, the complement: ANKRD26 is on the minus strand). VCF-style: chr10-27077444-G-C. GRCh37 (hg19) VCF-style: chr10-27366373-G-C.
Other names: c.971C>G, p.Pro324Arg (NM_001256053.2); short protein forms P324R.
Identifiers: ClinVar variation 3912593 (VCV003912593.2).

ClinVar aggregate classification (germline): Uncertain significance. Review status: criteria provided, multiple submitters, no conflicts (2 of 4 stars). 2 submissions from 2 submitters: Uncertain significance (2). Last evaluated 2025-06-09.

Conditions:
Inborn genetic diseases. Identifiers: MedGen C0950123, MeSH D030342.

gnomAD v4.1: 1 of 1,613,792 alleles (0.000062%); highest among the groups gnomAD compares: African/African-American, 0.0013%; no homozygotes.

Submissions (2):

Ambry Genetics
Classification: Uncertain significance for Inborn genetic diseases. Last evaluated: 2025-06-09. Review status: criteria provided, single submitter. Criteria: Ambry Variant Classification Scheme 2023. Collection method: clinical testing. Allele origin: germline.
Comment: The p.P324R variant (also known as c.971C>G), located in coding exon 9 of the ANKRD26 gene, results from a C to G substitution at nucleotide position 971. The proline at codon 324 is replaced by arginine, an amino acid with dissimilar properties. This amino acid position is conserved. In addition, this alteration is predicted to be tolerated by in silico analysis. Based on the available evidence, the clinical significance of this variant remains unclear.

Labcorp Genetics (formerly Invitae), Labcorp
Classification: Uncertain significance. Last evaluated: 2025-04-24. Review status: criteria provided, single submitter. Criteria: Invitae Variant Classification Sherloc (09022015). Collection method: clinical testing. Allele origin: germline.
Comment: This sequence change replaces proline, which is neutral and non-polar, with arginine, which is basic and polar, at codon 324 of the ANKRD26 protein (p.Pro324Arg). This variant is not present in population databases (gnomAD no frequency). This variant has not been reported in the literature in individuals affected with ANKRD26-related conditions. An algorithm developed to predict the effect of missense changes on protein structure and function (PolyPhen-2) suggests that this variant is likely to be disruptive. In summary, the available evidence is currently insufficient to determine the role of this variant in disease. Therefore, it has been classified as a Variant of Uncertain Significance.